The following is an entry in ClinVar:

NC_000004.11:g.(?_13475922)_(13476050_?)del

Gene: RAB28 (RAB28, member RAS oncogene family; minus strand). Cytogenetic location: 4p15.33.
Variant type: Deletion.
Identifiers: ClinVar variation 1411104 (VCV001411104.5).

ClinVar aggregate classification (germline): Uncertain significance (1 of 4 stars; one submission).

Submission:

Labcorp Genetics (formerly Invitae), Labcorp
Classification: Uncertain significance. Last evaluated: 2022-10-24. Review status: criteria provided, single submitter. Criteria: Invitae Variant Classification Sherloc (09022015). Collection method: clinical testing. Allele origin: germline.
Comment: This variant has not been reported in the literature in individuals affected with RAB28-related conditions. In summary, the available evidence is currently insufficient to determine the role of this variant in disease. Therefore, it has been classified as a Variant of Uncertain Significance. This variant is a gross deletion of the genomic region encompassing exon(s) 3 of the RAB28 gene. This deletion is out-of-frame, and is expected to create a premature translational stop signal and result in an absent or disrupted protein product. However, the current clinical and genetic evidence is not sufficient to establish whether loss-of-function variants in RAB28 cause disease.